The following is an entry in ClinVar:

ClinVar aggregate classification (germline): Uncertain significance (1 of 4 stars; one submission).

Submission:

GeneDx
Classification: Uncertain significance. Last evaluated: 2018-02-18. Review status: criteria provided, single submitter. Criteria: GeneDx Variant Classification (06012015). Collection method: clinical testing. Allele origin: germline. Affected: yes.
Comment: The c.695_696delTGinsCT variant in the NFIX gene has not been reported previously as a pathogenic variant nor as a benign variant, to our knowledge. The c.695_696delTGinsCT variant is not observed in large population cohorts (Lek et al., 2016). The c.695_696delTGinsCT variant results in the V232A missense change. The V232A variant is a conservative amino acid substitution, which is not likely to impact secondary protein structure as these residues share similar properties. Additionally, in-silico analyses, including protein predictors and evolutionary conservation, support that this variant does not alter protein structure/function. We interpret c.695_696delTGinsCT as a variant of uncertain significance.

NM_001365902.3(NFIX):c.671_672delinsCT (p.Val224Ala)

Gene: NFIX (nuclear factor I X; plus strand). Cytogenetic location: 19p13.13.
Variant type: Indel.
Coding change: c.671_672delinsCT on transcript NM_001365902.3 (MANE Select); coding-DNA positions 671 to 672, TG replaced by CT.
Protein change: p.Val224Ala; replaces valine 224 with alanine.
Molecular consequence: missense variant.
Genome position (GRCh38, 1-based): chr19:13,073,470-13,073,471, TG replaced by CT. VCF-style: chr19-13073470-TG-CT. GRCh37 (hg19) VCF-style: chr19-13184284-TG-CT.
Other names: c.695_696delTGinsCT (NM_001271043.2); c.695_696delinsCT, p.Val232Ala (NM_001271043.2); c.647_648delinsCT, p.Val216Ala (NM_001271044.3, NM_001378404.1); c.671_672delinsCT, p.Val224Ala (NM_001365982.2, NM_002501.4); c.530_531delinsCT, p.Val177Ala (NM_001365983.2); c.668_669delinsCT, p.Val223Ala (NM_001365984.2, NM_001365985.2); c.719_720delinsCT, p.Val240Ala (NM_001378405.1); short protein forms V216A, V223A, V232A, V177A, V224A, V240A.
Identifiers: ClinVar variation 504338 (VCV000504338.2), dbSNP rs1555705130, ClinGen allele CA658799167.